The following is an entry in ClinVar:

ClinVar aggregate classification (germline): Uncertain significance. Review status: criteria provided, multiple submitters, no conflicts (2 of 4 stars). 2 submissions from 2 submitters: Uncertain significance (2). Last evaluated 2025-06-25.

Conditions:
Familial meningioma. Also called: Meningioma, familial, susceptibility to. Identifiers: Orphanet 263662, MedGen C3551915, MONDO:0011789, OMIM 607174.
Hereditary cancer-predisposing syndrome. Also called: Neoplastic Syndromes, Hereditary; Hereditary Cancer Syndrome; Hereditary neoplastic syndrome; Tumor predisposition. Identifiers: Orphanet 140162, MedGen C0027672, MeSH D009386, MONDO:0015356.

Submissions (2):

Ambry Genetics
Classification: Uncertain significance for Hereditary cancer-predisposing syndrome. Last evaluated: 2025-06-25. Review status: criteria provided, single submitter. Criteria: Ambry Variant Classification Scheme 2023. Collection method: clinical testing. Allele origin: germline.
Comment: The p.S353G variant (also known as c.1057A>G), located in coding exon 10 of the SMARCE1 gene, results from an A to G substitution at nucleotide position 1057. The serine at codon 353 is replaced by glycine, an amino acid with similar properties. This amino acid position is conserved. In addition, this alteration is predicted to be tolerated by in silico analysis. Based on the available evidence, the clinical significance of this variant remains unclear.

Labcorp Genetics (formerly Invitae), Labcorp
Classification: Uncertain significance for Familial meningioma. Last evaluated: 2019-06-27. Review status: criteria provided, single submitter. Criteria: Invitae Variant Classification Sherloc (09022015). Collection method: clinical testing. Allele origin: germline.
Comment: Algorithms developed to predict the effect of missense changes on protein structure and function (SIFT, PolyPhen-2, Align-GVGD) all suggest that this variant is likely to be tolerated, but these predictions have not been confirmed by published functional studies and their clinical significance is uncertain. This variant has not been reported in the literature in individuals with SMARCE1-related conditions. This variant is not present in population databases (ExAC no frequency). This sequence change replaces serine with glycine at codon 353 of the SMARCE1 protein (p.Ser353Gly). The serine residue is moderately conserved and there is a small physicochemical difference between serine and glycine. In summary, the available evidence is currently insufficient to determine the role of this variant in disease. Therefore, it has been classified as a Variant of Uncertain Significance.

NM_003079.5(SMARCE1):c.1057A>G (p.Ser353Gly)

Gene: SMARCE1 (SWI/SNF related BAF chromatin remodeling complex subunit E1; minus strand). Cytogenetic location: 17q21.2.
Variant type: single nucleotide variant.
Coding change: c.1057A>G on transcript NM_003079.5 (MANE Select); coding-DNA position 1057, A replaced by G.
Protein change: p.Ser353Gly; replaces serine 353 with glycine.
Molecular consequence: missense variant.
Genome position (GRCh38, 1-based): chr17:40,628,964, T>C on the plus strand (A>G on the coding strand, the complement: SMARCE1 is on the minus strand). VCF-style: chr17-40628964-T-C. GRCh37 (hg19) VCF-style: chr17-38785216-T-C.
Other names: short protein forms S353G.
Identifiers: ClinVar variation 934638 (VCV000934638.10), dbSNP rs2037062951, ClinGen allele CA399361690.
Genomic context (GRCh38, chr17:40,628,964, plus strand): 5'-CCTCCTGCCCACTCTCCTTGTCCTCAGGAGTAGACGTGCCTTCTTCACCATTCTGTTGGC[T>C]CTCTGTTGTTTCTTCAAGGTGTGTCTCCTCTGTAATCACACATTTGTCACTGTCAGTTCC-3'
Protein context (NP_003070.3, residues 343-363): EETHLEETTE[Ser353Gly]QQNGEEGTST